The following is an entry in ClinVar:

NM_004360.5(CDH1):c.1514_1516del (p.Ile505del)

Gene: CDH1 (cadherin 1; plus strand). Cytogenetic location: 16q22.1.
Variant type: Deletion.
Coding change: c.1514_1516del on transcript NM_004360.5 (MANE Select); coding-DNA positions 1514 to 1516, 3 bases deleted (TCA; older notation c.1514_1516delTCA).
Protein change: p.Ile505del; deletes isoleucine 505.
Molecular consequence: inframe deletion. On other transcripts: 5 prime UTR variant (2).
Genome position (GRCh38, 1-based): chr16:68,815,708-68,815,710, TCA deleted; deleting any 3 consecutive bases within chr16:68,815,707-68,815,710 gives the same sequence; the c. name uses the placement nearest the transcript's 3' end. VCF-style (leftmost placement, unchanged base first): chr16-68815706-AATC-A. GRCh37 (hg19) VCF-style: chr16-68849609-AATC-A.
Other names: c.-306_-304del (NM_001317186.2); c.1331_1333del, p.Ile444del (NM_001317184.2); c.-35_-33del (NM_001317185.2); short protein forms I444del, I505del.
Identifiers: ClinVar variation 4712051 (VCV004712051.1).

ClinVar aggregate classification (germline): Uncertain significance (1 of 4 stars; one submission).

Conditions:
Hereditary diffuse gastric adenocarcinoma (HDGC). Also called: DIFFUSE GASTRIC AND LOBULAR BREAST CANCER SYNDROME. Identifiers: Orphanet 26106, MedGen C1708349, MONDO:0007648, OMIM 137215.

Submission:

Labcorp Genetics (formerly Invitae), Labcorp
Classification: Uncertain significance for Hereditary diffuse gastric adenocarcinoma. Last evaluated: 2025-01-30. Review status: criteria provided, single submitter. Criteria: Invitae Variant Classification Sherloc (09022015). Collection method: clinical testing. Allele origin: germline.
Comment: This variant, c.1514_1516del, results in the deletion of 1 amino acid(s) of the CDH1 protein (p.Ile505del), but otherwise preserves the integrity of the reading frame. This variant is not present in population databases (gnomAD no frequency). This variant has not been reported in the literature in individuals affected with CDH1-related conditions. In summary, the available evidence is currently insufficient to determine the role of this variant in disease. Therefore, it has been classified as a Variant of Uncertain Significance.